The following is an entry in ClinVar:

ClinVar aggregate classification (germline): Pathogenic (1 of 4 stars; one submission).

Conditions:
Lynch syndrome 5 (LYNCH5). Also called: Colorectal cancer, hereditary nonpolyposis, type 5; Hereditary non-polyposis colorectal cancer, type 5. Identifiers: Orphanet 144, MedGen C1833477, MONDO:0013710, OMIM 614350. Disease mechanism: loss of function.

Submission:

Myriad Genetics, Inc.
Classification: Pathogenic for Lynch syndrome 5. Last evaluated: 2023-08-11. Review status: criteria provided, single submitter. Criteria: Myriad Autosomal Dominant, Autosomal Recessive and X-Linked Classification Criteria (2023). Collection method: clinical testing. Allele origin: unknown.
Comment: This variant is considered pathogenic. This variant creates a frameshift predicted to result in premature protein truncation.

NM_000179.3(MSH6):c.1150dup (p.Arg384fs)

Gene: MSH6 (mutS homolog 6; plus strand). Cytogenetic location: 2p16.3.
Variant type: Duplication.
Coding change: c.1150dup on transcript NM_000179.3 (MANE Select); coding-DNA position 1150, one base duplicated (A; older notation c.1150dupA).
Protein change: p.Arg384fs; shifts the reading frame from arginine 384.
Molecular consequence: frameshift variant. On other transcripts: non-coding transcript variant (4), intron variant (1).
Genome position (GRCh38, 1-based): chr2:47,799,133, A duplicated. VCF-style (leftmost placement, unchanged base first): chr2-47799132-G-GA. GRCh37 (hg19) VCF-style: chr2-48026271-G-GA.
Other names: c.760dup, p.Arg254fs (NM_001281492.2); c.244dup, p.Arg82fs (NM_001281493.2, NM_001281494.2, NM_001406811.1 and 6 more transcripts); c.1246dup, p.Arg416fs (NM_001406795.1, NM_001406802.1); c.1150dup, p.Arg384fs (NM_001406796.1, NM_001406798.1, NM_001406800.1 and 4 more transcripts); c.853dup, p.Arg285fs (NM_001406797.1, NM_001406801.1, NM_001406805.1 and 10 more transcripts); c.625dup, p.Arg209fs (NM_001406799.1, NM_001406806.1, NM_001406807.1); c.1072dup, p.Arg358fs (NM_001406804.1); c.1156dup, p.Arg386fs (NM_001406813.1); and 2 more; short protein forms R209fs, R254fs, R285fs, R328fs, R358fs, R384fs, R386fs, R416fs.
Identifiers: ClinVar variation 2673665 (VCV002673665.1), dbSNP rs2530592711, ClinGen allele CA2695200551.